The following is an entry in ClinVar:

NM_000435.3(NOTCH3):c.5119A>G (p.Met1707Val)

Gene: NOTCH3 (notch receptor 3; minus strand). Cytogenetic location: 19p13.12.
Variant type: single nucleotide variant.
Coding change: c.5119A>G on transcript NM_000435.3 (MANE Select); coding-DNA position 5119, A replaced by G.
Protein change: p.Met1707Val; replaces methionine 1707 with valine.
Molecular consequence: missense variant.
Genome position (GRCh38, 1-based): chr19:15,170,166, T>C on the plus strand (A>G on the coding strand, the complement: NOTCH3 is on the minus strand). VCF-style: chr19-15170166-T-C. GRCh37 (hg19) VCF-style: chr19-15280977-T-C.
Other names: c.5119A>G (NM_000435.2); short protein forms M1707V.
Identifiers: ClinVar variation 3388178 (VCV003388178.15).

ClinVar aggregate classification (germline): Conflicting classifications of pathogenicity. Review status: criteria provided, conflicting classifications (1 of 4 stars). 3 submissions from 3 submitters: Uncertain significance (2); Likely benign (1). Last evaluated 2025-10-07.

Conditions:
Inborn genetic diseases. Identifiers: MedGen C0950123, MeSH D030342.

Submissions (3):

Ambry Genetics
Classification: Uncertain significance for Inborn genetic diseases. Last evaluated: 2025-10-07. Review status: criteria provided, single submitter. Criteria: Ambry Variant Classification Scheme 2023. Collection method: clinical testing. Allele origin: germline.

CeGaT Center for Human Genetics Tuebingen
Classification: Likely benign. Last evaluated: 2024-09-01. Review status: criteria provided, single submitter. Criteria: CeGaT Center For Human Genetics Tuebingen Variant Classification Criteria Version 2. Collection method: clinical testing. Allele origin: germline. Affected: yes. Observed: 1 variant allele.
Comment: NOTCH3: BP4, BS2

Blueprint Genetics
Classification: Uncertain significance. Last evaluated: 2022-03-21. Review status: criteria provided, single submitter. Criteria: ACMG Guidelines, 2015. Collection method: clinical testing. Allele origin: germline.